The following is an entry in ClinVar:

NM_000195.5(HPS1):c.867G>A (p.Thr289=)

Gene: HPS1 (HPS1 biogenesis of lysosomal organelles complex 3 subunit 1; minus strand). Cytogenetic location: 10q24.2.
Variant type: single nucleotide variant.
Coding change: c.867G>A on transcript NM_000195.5 (MANE Select); coding-DNA position 867, G replaced by A.
Protein change: p.Thr289=; no amino-acid change (threonine 289 retained).
Molecular consequence: synonymous variant. On other transcripts: 5 prime UTR variant (1), missense variant (1), intron variant (8).
Genome position (GRCh38, 1-based): chr10:98,429,791, C>T on the plus strand (G>A on the coding strand, the complement: HPS1 is on the minus strand). VCF-style: chr10-98429791-C-T. GRCh37 (hg19) VCF-style: chr10-100189548-C-T.
Other names: c.867G>A, p.Thr289= (NM_001322476.2, NM_001322477.2, NM_182639.4); c.606G>A, p.Thr202= (NM_001322480.2, NM_001322481.2); c.498G>A, p.Thr166= (NM_001322483.2, NM_001322484.2); c.-106G>A (NM_001322487.2); c.749G>A, p.Arg250Gln (NM_001322490.2); c.769-149G>A (NM_001322478.2, NM_001322479.2, NM_001322491.2); c.400-149G>A (NM_001322485.2); c.508-149G>A (NM_001322482.2); and 2 more; short protein forms R250Q.
Identifiers: ClinVar variation 1373303 (VCV001373303.5), dbSNP rs770077009, ClinGen allele CA5639251.
Genomic context (GRCh38, chr10:98,429,791, plus strand): 5'-GGTCGCCTGCAGAGGCCGATCCCCTCCTGCCCCTGACTCCACGAAGTGCACAGCACACAC[C>T]GTCTCTGCAGAGCTCCCCCCAGTTGGGCCCGTGGAGTGAGGGCTCCAGGCCTGCTGCACG-3'
Protein context (NP_000186.2, residues 279-299): TGPTGGSSAE[Thr289=]ETDSFSLPEE

ClinVar aggregate classification (germline): Uncertain significance. Review status: criteria provided, multiple submitters, no conflicts (2 of 4 stars). 2 submissions from 2 submitters: Uncertain significance (2). Last evaluated 2025-10-20.

Allele frequency attached by ClinVar (database versions not stated): ExAC 0.00002.
gnomAD v4.1: 23 of 1,613,702 alleles (0.0014%); highest among the groups gnomAD compares: East Asian, 0.0089%; no homozygotes.

Submissions (2):

Labcorp Genetics (formerly Invitae), Labcorp
Classification: Uncertain significance. Last evaluated: 2025-10-20. Review status: criteria provided, single submitter. Criteria: Invitae Variant Classification Sherloc (09022015). Collection method: clinical testing. Allele origin: germline.
Comment: This sequence change affects codon 289 of the HPS1 mRNA. It is a 'silent' change, meaning that it does not change the encoded amino acid sequence of the HPS1 protein. This variant also falls at the last nucleotide of exon 9, which is part of the consensus splice site for this exon. This variant is present in population databases (rs770077009, gnomAD 0.02%). This variant has not been reported in the literature in individuals affected with HPS1-related conditions. ClinVar contains an entry for this variant (Variation ID: 1373303). Variants that disrupt the consensus splice site are a relatively common cause of aberrant splicing (PMID: 17576681, 9536098). Algorithms developed to predict the effect of sequence changes on RNA splicing suggest that this variant may disrupt the consensus splice site. In summary, the available evidence is currently insufficient to determine the role of this variant in disease. Therefore, it has been classified as a Variant of Uncertain Significance.

Blueprint Genetics
Classification: Uncertain significance. Last evaluated: 2020-04-27. Review status: criteria provided, single submitter. Criteria: ACMG Guidelines, 2015. Collection method: clinical testing. Allele origin: germline.

Literature cited by the submitters: PubMed 17576681 (cited by Labcorp Genetics (formerly Invitae), Labcorp); PubMed 9536098 (cited by Labcorp Genetics (formerly Invitae), Labcorp).